The following is an entry in ClinVar:

ClinVar aggregate classification (germline): Uncertain significance (1 of 4 stars; one submission).

Conditions:
Early-infantile DEE. Also called: Ohtahara syndrome; Early infantile epileptic encephalopathy; Early infantile epileptic encephalopathy with suppression bursts. Identifiers: Orphanet 1934, MedGen C0393706, MONDO:0800491.

Submission:

Labcorp Genetics (formerly Invitae), Labcorp
Classification: Uncertain significance for Early-infantile DEE. Last evaluated: 2022-03-19. Review status: criteria provided, single submitter. Criteria: Invitae Variant Classification Sherloc (09022015). Collection method: clinical testing. Allele origin: germline.
Comment: Algorithms developed to predict the effect of missense changes on protein structure and function (SIFT, PolyPhen-2, Align-GVGD) all suggest that this variant is likely to be tolerated. In summary, the available evidence is currently insufficient to determine the role of this variant in disease. Therefore, it has been classified as a Variant of Uncertain Significance. ClinVar contains an entry for this variant (Variation ID: 665187). This sequence change replaces glutamine, which is neutral and polar, with lysine, which is basic and polar, at codon 179 of the SPTAN1 protein (p.Gln179Lys). This variant is not present in population databases (gnomAD no frequency). This variant has not been reported in the literature in individuals affected with SPTAN1-related conditions.

NM_001130438.3(SPTAN1):c.535C>A (p.Gln179Lys)

Gene: SPTAN1 (spectrin alpha, non-erythrocytic 1; plus strand). Cytogenetic location: 9q34.11.
Variant type: single nucleotide variant.
Coding change: c.535C>A on transcript NM_001130438.3 (MANE Select); coding-DNA position 535, C replaced by A.
Protein change: p.Gln179Lys; replaces glutamine 179 with lysine.
Molecular consequence: missense variant.
Genome position (GRCh38, 1-based): chr9:128,575,229, C>A. VCF-style: chr9-128575229-C-A. GRCh37 (hg19) VCF-style: chr9-131337508-C-A.
Other names: c.535C>A, p.Gln179Lys (NM_001195532.2, NM_001363759.2, NM_001363765.2 and 1 more transcripts); short protein forms Q179K.
Identifiers: ClinVar variation 665187 (VCV000665187.9), dbSNP rs1589179268, ClinGen allele CA375052962.